The following is an entry in ClinVar:

ClinVar aggregate classification (germline): Benign. Review status: criteria provided, single submitter (1 of 4 stars). 2 submissions from 1 submitter: Benign (2). Last evaluated 2018-01-13.

Conditions:
Alternating hemiplegia of childhood 1 (AHC1). Identifiers: Orphanet 2131, MedGen C3549447, MONDO:0007087, OMIM 104290.
Migraine, familial hemiplegic, 2. Identifiers: Orphanet 569, MedGen C1865322, MONDO:0011232, OMIM 602481.

Allele frequency attached by ClinVar (database versions not stated): gnomAD 0.00242; TOPMed 0.00308; 1000 Genomes Project 0.00319; 1000 Genomes Project 30x 0.00344.

Submissions (2):

Illumina Laboratory Services, Illumina
Classification: Benign for Alternating hemiplegia of childhood 1. Last evaluated: 2018-01-13. Review status: criteria provided, single submitter. Criteria: ICSL Variant Classification Criteria 13 December 2019. Collection method: clinical testing. Allele origin: germline.
Comment: This variant was observed in the ICSL laboratory as part of a predisposition screen in an ostensibly healthy population. It had not been previously curated by ICSL or reported in the Human Gene Mutation Database (HGMD: prior to June 1st, 2018), and was therefore a candidate for classification through an automated scoring system. Utilizing variant allele frequency, disease prevalence and penetrance estimates, and inheritance mode, an automated score was calculated to assess if this variant is too frequent to cause the disease. Based on the score and internal cut-off values, a variant classified as benign is not then subjected to further curation. The score for this variant resulted in a classification of benign for this disease.

Illumina Laboratory Services, Illumina
Classification: Benign for Migraine, familial hemiplegic, 2. Last evaluated: 2018-01-13. Review status: criteria provided, single submitter. Criteria: ICSL Variant Classification Criteria 13 December 2019. Collection method: clinical testing. Allele origin: germline.
Comment: the same text as in the submission from Illumina Laboratory Services, Illumina above.

NM_000702.4(ATP1A2):c.*1000T>G

Gene: ATP1A2 (ATPase Na+/K+ transporting subunit alpha 2; plus strand). Cytogenetic location: 1q23.2.
Variant type: single nucleotide variant.
Coding change: c.*1000T>G on transcript NM_000702.4 (MANE Select); 1000 bases downstream of the stop codon, T replaced by G.
Molecular consequence: 3 prime UTR variant.
Genome position (GRCh38, 1-based): chr1:160,142,322, T>G. VCF-style: chr1-160142322-T-G. GRCh37 (hg19) VCF-style: chr1-160112112-T-G.
Identifiers: ClinVar variation 293159 (VCV000293159.5), dbSNP rs116194737, ClinGen allele CA10608104.